The following is an entry in ClinVar:

NC_000012.11:g.(?_4368352)_(4796274_?)del

Genes: AKAP3 (A-kinase anchoring protein 3; minus strand), CCND2 (cyclin D2; plus strand), DYRK4 (dual specificity tyrosine phosphorylation regulated kinase 4; plus strand), FERRY3 (FERRY endosomal RAB5 effector complex subunit 3; minus strand), FGF23 (fibroblast growth factor 23; minus strand) and 4 more. Cytogenetic location: 12p13.32.
Variant type: Deletion.
Identifiers: ClinVar variation 2426569 (VCV002426569.3).

ClinVar aggregate classification (germline): Uncertain significance (1 of 4 stars; one submission).

Submission:

Labcorp Genetics (formerly Invitae), Labcorp
Classification: Uncertain significance. Last evaluated: 2022-07-15. Review status: criteria provided, single submitter. Criteria: Invitae Variant Classification Sherloc (09022015). Collection method: clinical testing. Allele origin: germline.
Comment: A gross deletion of the genomic region encompassing the full coding sequence of the FGF23 gene has been identified. The current clinical and genetic evidence is not sufficient to establish whether loss-of-function variants in FGF23 cause disease. The boundaries of this event are unknown as they extend beyond the assayed region for this gene and therefore may encompass additional genes. This variant has not been reported in the literature in individuals affected with FGF23-related conditions. In summary, the available evidence is currently insufficient to determine the role of this variant in disease. Therefore, it has been classified as a Variant of Uncertain Significance.